The following is an entry in ClinVar:

NM_015335.5(MED13L):c.6461dup (p.His2155fs)

Gene: MED13L (mediator complex subunit 13L; minus strand). Cytogenetic location: 12q24.21.
Variant type: Duplication.
Coding change: c.6461dup on transcript NM_015335.5 (MANE Select); coding-DNA position 6461, one base duplicated (C; older notation c.6461dupC).
Protein change: p.His2155fs; shifts the reading frame from histidine 2155.
Molecular consequence: frameshift variant.
Genome position (GRCh38, 1-based): chr12:115,963,446, G duplicated on the plus strand (C on the coding strand, the reverse complement: MED13L is on the minus strand); the first of 2 consecutive G bases (chr12:115,963,446-115,963,447); duplicating either gives the same sequence. VCF-style (leftmost placement, unchanged base first): chr12-115963445-T-TG. GRCh37 (hg19) VCF-style: chr12-116401250-T-TG.
Other names: short protein forms H2155fs.
Identifiers: ClinVar variation 817166 (VCV000817166.1), dbSNP rs1592890905, ClinGen allele CA915946733.

ClinVar aggregate classification (germline): Likely pathogenic (1 of 4 stars; one submission).

Submission:

GeneDx
Classification: Likely pathogenic. Last evaluated: 2018-07-27. Review status: criteria provided, single submitter. Criteria: GeneDx Variant Classification (06012015). Collection method: clinical testing. Allele origin: germline. Affected: yes.
Comment: A variant that is likely pathogenic has been identified in the MED13L gene. The c.6461dupC variant has not been published as a pathogenic variant, nor has it been reported as a benign variant to our knowledge. This variant is not observed in large population cohorts (Lek et al., 2016). The c.6461dupC variant causes a frameshift starting with codon Histidine 2155, changes this amino acid to a Threonine residue, and creates a premature Stop codon at position 4 of the new reading frame, denoted p.His2155ThrfsX4. This variant is predicted to cause loss of normal protein function through protein truncation, as the last 56 amino acids are replaced with 3 incorrect amino acids. Therefore, the c.6461dupC variant is likely pathogenic.